The following is an entry in ClinVar:

ClinVar aggregate classification (germline): Uncertain significance. Review status: criteria provided, multiple submitters, no conflicts (2 of 4 stars). 3 submissions from 3 submitters: Uncertain significance (3). Last evaluated 2025-04-14.

Conditions:
Inborn genetic diseases. Identifiers: MedGen C0950123, MeSH D030342.

Allele frequency attached by ClinVar (database versions not stated): gnomAD exomes below 0.00001 and 0.00001; gnomAD 0.00001; TOPMed 0.00005.
gnomAD v4.1: 3 of 1,612,222 alleles (0.00019%); highest among the groups gnomAD compares: African/African-American, 0.0013%; no homozygotes.

Submissions (3):

Ambry Genetics
Classification: Uncertain significance for Inborn genetic diseases. Last evaluated: 2025-04-14. Review status: criteria provided, single submitter. Criteria: Ambry Variant Classification Scheme 2023. Collection method: clinical testing. Allele origin: germline.

Labcorp Genetics (formerly Invitae), Labcorp
Classification: Uncertain significance. Last evaluated: 2022-07-12. Review status: criteria provided, single submitter. Criteria: Invitae Variant Classification Sherloc (09022015). Collection method: clinical testing. Allele origin: germline.
Comment: This sequence change replaces asparagine, which is neutral and polar, with threonine, which is neutral and polar, at codon 2988 of the CDH23 protein (p.Asn2988Thr). This variant is present in population databases (no rsID available, gnomAD 0.002%). This variant has not been reported in the literature in individuals affected with CDH23-related conditions. ClinVar contains an entry for this variant (Variation ID: 1448611). Algorithms developed to predict the effect of missense changes on protein structure and function are either unavailable or do not agree on the potential impact of this missense change (SIFT: "Deleterious"; PolyPhen-2: "Not Available"; Align-GVGD: "Class C0"). In summary, the available evidence is currently insufficient to determine the role of this variant in disease. Therefore, it has been classified as a Variant of Uncertain Significance.

Blueprint Genetics
Classification: Uncertain significance. Last evaluated: 2021-09-15. Review status: criteria provided, single submitter. Criteria: ACMG Guidelines, 2015. Collection method: clinical testing. Allele origin: germline.

NM_022124.6(CDH23):c.8963A>C (p.Asn2988Thr)

Gene: CDH23 (cadherin related 23; plus strand). Cytogenetic location: 10q22.1.
Variant type: single nucleotide variant.
Coding change: c.8963A>C on transcript NM_022124.6 (MANE Select); coding-DNA position 8963, A replaced by C.
Protein change: p.Asn2988Thr; replaces asparagine 2988 with threonine.
Molecular consequence: missense variant.
Genome position (GRCh38, 1-based): chr10:71,810,060, A>C. VCF-style: chr10-71810060-A-C. GRCh37 (hg19) VCF-style: chr10-73569817-A-C.
Other names: c.8963A>C (NM_022124.5); c.2243A>C, p.Asn748Thr (NM_001171933.1, NM_001171934.1); short protein forms N2988T, N748T.
Identifiers: ClinVar variation 1448611 (VCV001448611.5), dbSNP rs996271940, ClinGen allele CA209439552.